The following is an entry in ClinVar:

NM_005159.5(ACTC1):c.1029del (p.Ile343fs)

Genes: GJD2-DT (GJD2 divergent transcript; plus strand), ACTC1 (actin alpha cardiac muscle 1; minus strand). Cytogenetic location: 15q14.
Variant type: Deletion.
Coding change: c.1029del on transcript NM_005159.5 (MANE Select); coding-DNA position 1029, one base deleted (T; older notation c.1029delT).
Protein change: p.Ile343fs; shifts the reading frame from isoleucine 343.
Molecular consequence: frameshift variant.
Genome position (GRCh38, 1-based): chr15:34,790,517, A deleted on the plus strand (T on the coding strand, the reverse complement: ACTC1 is on the minus strand); the first of 2 consecutive A bases (chr15:34,790,517-34,790,518); deleting either gives the same sequence. VCF-style (leftmost placement, unchanged base first): chr15-34790516-CA-C. GRCh37 (hg19) VCF-style: chr15-35082717-CA-C.
Other names: short protein forms I343fs.
Identifiers: ClinVar variation 1484670 (VCV001484670.6), dbSNP rs2140429044, ClinGen allele CA2573150659.
Genomic context (GRCh38, chr15:34,790,516, plus strand): 5'-ACTCTTGCTTGCTAATCCACATTTGCTGGAAGGTGGACAGAGAGGCCAGGATGGAGCCCC[CA>C]ATCCAGACAGAGTATTTACGCTCAGGGGGAGCAATAATCTGCAGAAAGAAAACAAAAACT-3'

ClinVar aggregate classification (germline): Uncertain significance (1 of 4 stars; one submission).

Conditions:
Dilated cardiomyopathy 1R (CMD1R). Identifiers: Orphanet 154, Orphanet 54260, MedGen C3150681, MONDO:0013261, OMIM 613424.
Atrial septal defect 5 (ASD5). Identifiers: Orphanet 1478, MedGen C2748552, MONDO:0013011, OMIM 612794.
Hypertrophic cardiomyopathy 11. Also called: ACTC1-Related Familial Hypertrophic Cardiomyopathy. Identifiers: MedGen C2677506, MONDO:0012799, OMIM 612098.

Submission:

Labcorp Genetics (formerly Invitae), Labcorp
Classification: Uncertain significance for Dilated cardiomyopathy 1R; Hypertrophic cardiomyopathy 11; Atrial septal defect 5. Last evaluated: 2021-08-19. Review status: criteria provided, single submitter. Criteria: Invitae Variant Classification Sherloc (09022015). Collection method: clinical testing. Allele origin: germline.
Comment: In summary, the available evidence is currently insufficient to determine the role of this variant in disease. Therefore, it has been classified as a Variant of Uncertain Significance. Experimental studies and prediction algorithms are not available or were not evaluated, and the functional significance of this variant is currently unknown. This variant has not been reported in the literature in individuals affected with ACTC1-related conditions. This variant is not present in population databases (ExAC no frequency). This sequence change results in a frameshift in the ACTC1 gene (p.Ile343Metfs*106). While this is not anticipated to result in nonsense mediated decay, it is expected to disrupt the last 35 amino acid(s) of the ACTC1 protein and extend the protein by 70 additional amino acid residues.